The following is an entry in ClinVar:

NM_007294.4(BRCA1):c.5245C>G (p.Pro1749Ala)

Gene: BRCA1 (BRCA1 DNA repair associated; minus strand). Cytogenetic location: 17q21.31.
Variant type: single nucleotide variant.
Coding change: c.5245C>G on transcript NM_007294.4 (MANE Select); coding-DNA position 5245, C replaced by G.
Protein change: p.Pro1749Ala; replaces proline 1749 with alanine.
Molecular consequence: missense variant. On other transcripts: non-coding transcript variant (1).
Genome position (GRCh38, 1-based): chr17:43,057,084, G>C on the plus strand (C>G on the coding strand, the complement: BRCA1 is on the minus strand). VCF-style: chr17-43057084-G-C. GRCh37 (hg19) VCF-style: chr17-41209101-G-C.
Other names: c.5239C>G, p.Pro1747Ala (NM_001407630.1, NM_001407631.1, NM_001407632.1 and 14 more transcripts); c.1789C>G, p.Pro597Ala (NM_001408468.1, NM_001408469.1, NM_001408470.1); c.1933C>G, p.Pro645Ala (NM_001408472.1, NM_001407985.1, NM_001407986.1 and 13 more transcripts); c.1930C>G, p.Pro644Ala (NM_001408473.1, NM_001408392.1, NM_001408396.1 and 8 more transcripts); c.1735C>G, p.Pro579Ala (NM_001408474.1); c.1732C>G, p.Pro578Ala (NM_001408475.1, NM_001408476.1); c.1726C>G, p.Pro576Ala (NM_001408478.1, NM_001408479.1, NM_001408480.1); c.5242C>G, p.Pro1748Ala (NM_001407611.1, NM_001407612.1, NM_001407613.1 and 17 more transcripts); and 72 more; short protein forms P1749A, P1702A, P1770A, P645A, P1453A, P1620A, P1677A, P1678A.
Identifiers: ClinVar variation 55478 (VCV000055478.16), dbSNP rs397509244, ClinGen allele CA003386.

ClinVar aggregate classification (germline): Conflicting classifications of pathogenicity. Review status: criteria provided, conflicting classifications (1 of 4 stars). 5 submissions from 5 submitters: Uncertain significance (2); Likely benign (2). 1 of the submissions does not count toward it. Last evaluated 2025-08-11.

Conditions:
Hereditary cancer-predisposing syndrome. Also called: Hereditary Cancer Syndrome; Hereditary neoplastic syndrome; Neoplastic Syndromes, Hereditary; Tumor predisposition. Identifiers: Orphanet 140162, MedGen C0027672, MeSH D009386, MONDO:0015356.
Familial cancer of breast. Also called: hereditary breast carcinoma; BREAST CANCER, FAMILIAL; Hereditary breast cancer. Identifiers: Orphanet 227535, MedGen C0346153, MONDO:0016419, OMIM 114480. Disease mechanism: loss of function.
Breast-ovarian cancer, familial, susceptibility to, 1 (BROVCA1). Also called: BRCA1 Hereditary Breast and Ovarian Cancer; OVARIAN CANCER, SUSCEPTIBILITY TO. Identifiers: Orphanet 145, MedGen C2676676, MONDO:0011450, OMIM 604370. Disease mechanism: loss of function.
Hereditary breast ovarian cancer syndrome. Also called: BRCA1- and BRCA2-Associated Hereditary Breast and Ovarian Cancer; Hereditary breast and ovarian cancer syndrome; Hereditary breast and ovarian cancer syndrome (HBOC); Breast and ovarian cancer; Hereditary breast and/or ovarian cancer syndrome; Hereditary breast and ovarian cancer. Identifiers: Orphanet 145, MedGen C0677776, MeSH D061325, MONDO:0003582. Disease mechanism: loss of function.

Allele frequency attached by ClinVar (database versions not stated): ExAC 0.00001; gnomAD exomes below 0.00001.

Submissions (6):

Labcorp Genetics (formerly Invitae), Labcorp
Classification: Uncertain significance for Hereditary breast ovarian cancer syndrome. Last evaluated: 2025-08-11. Review status: criteria provided, single submitter. Criteria: Invitae Variant Classification Sherloc (09022015). Collection method: clinical testing. Allele origin: germline.
Comment: This sequence change replaces proline, which is neutral and non-polar, with alanine, which is neutral and non-polar, at codon 1749 of the BRCA1 protein (p.Pro1749Ala). This variant is present in population databases (rs397509244, gnomAD 0.006%). This missense change has been observed in individual(s) with breast cancer (PMID: 12497638, 17018160, 32803532). ClinVar contains an entry for this variant (Variation ID: 55478). Invitae Evidence Modeling incorporating data from in vitro experimental studies (PMID: 30209399) indicates that this missense variant is not expected to disrupt BRCA1 function with a negative predictive value of 95%. Experimental studies are conflicting or provide insufficient evidence to determine the effect of this variant on BRCA1 function (PMID: 30765603, 37085799). In summary, the available evidence is currently insufficient to determine the role of this variant in disease. Therefore, it has been classified as a Variant of Uncertain Significance.

Lupski Lab, Baylor-Hopkins CMG, Baylor College of Medicine
Classification: Likely benign for Breast-ovarian cancer, familial, susceptibility to, 1. Last evaluated: 2024-04-12. Review status: criteria provided, single submitter. Criteria: Dawood et al. (medRxiv. 2024). Collection method: curation. Allele origin: germline.
Comment: Each variant was annotated with functional scores from MAVE data which was translated into functional evidence codes. All other evidence codes and combining criteria were adhered to as closely as possible based on the ClinGen VCEP (Variant Curation Expert Panel) gene-specific recommendations. See Supplemental Figure 34 of final paper (Supp Fig. 28 in preprint: doi:10.1101/2024.04.11.24305690) for a table to see which lines of evidence we did not have data for. The ClinGen VCEPs are highly regarded as the gold-standard for gene-specific variant curation and are developed after extensive evaluation of the evidence by clinical and scientific experts for the particular gene to classify genomic variants on a spectrum from pathogenic to benign using the 2015 ACMG/AMP Variant Interpretation Guidelines as a backbone (PMID: 25741868). Reclassification of these VUS variants from gnomAD or All of Us focused only on variants originally prescribed as VUS in ClinVar. To ensure reproducibility, transparency, and increased throughput, all the procedures for annotating variants and assigning evidence codes were codified using Python. All code has been made freely available and is linked in the Code Availability section and all reclassified variants with evidence codes used can be found in Tables S18-19 (preprint: doi:10.1101/2024.04.11.24305690). For the MAVE data, the clinical curation and clinical strength assignment as per the ClinGen recommendations in Brnich et al. (2020) (PMID: 31892348) for or against pathogenicity or benignity of each of these MAVE datasets utilized in this study were previously published in Fayer et al. (2021) (PMID: 34793697).In brief, for BRCA1 variants, if a variant was categorized as FUNC (functional), it was assigned BS3 evidence and no PS3 evidence, whereas if it was categorized as LOF (loss of function), the variant was assigned PS3 evidence and no BS3 evidence. Variants categorized as INT (intermediate) were left unannotated. For the BRCA1 combining criteria, greater than or equal to 1 criteria of strong benign evidence was enough to reclassify the VUS as Likely Benign. This variant GRCh38:17:43057084:G>C was assigned evidence codes ['BS3'] and an overall classification of Likely benign

Ambry Genetics
Classification: Likely benign for Hereditary cancer-predisposing syndrome. Last evaluated: 2023-03-23. Review status: criteria provided, single submitter. Criteria: Ambry Variant Classification Scheme 2023. Collection method: clinical testing. Allele origin: germline.

Breast Center, Key Laboratory of Carcinogenesis and Translational Research
Classification: Uncertain significance for Hereditary breast and ovarian cancer syndrome. Last evaluated: 2020-05-01. Review status: criteria provided, single submitter. Criteria: ACMG Guidelines, 2015. Collection method: clinical testing. Allele origin: germline. Observed: 1 variant allele.

Brotman Baty Institute, University of Washington
No classification provided (evidence only). Condition: Breast-ovarian cancer, familial 1. Review status: no classification provided. Collection method: in vitro. Allele origin: not applicable. Functional consequence: functionally_normal. Not counted in ClinVar's aggregate classification.
ClinVar note: "not provided" was previously submitted as the classification for the variant. However, the classification appeared to be based only on an observation of functional data so it was converted to no classification on 2025-07-30.

ClinVar Staff, National Center for Biotechnology Information (NCBI)
No classification provided. Condition: Familial cancer of breast. Review status: no classification provided. Collection method: literature only. Allele origin: germline. Affected: yes. Not counted in ClinVar's aggregate classification.

Literature cited by the submitters: PubMed 12497638 (cited by Labcorp Genetics (formerly Invitae), Labcorp and ClinVar Staff, National Center for Biotechnology Information (NCBI)); PubMed 17018160 (cited by Labcorp Genetics (formerly Invitae), Labcorp); PubMed 32803532 (cited by Labcorp Genetics (formerly Invitae), Labcorp); PubMed 30209399 (cited by 3 submitters); PubMed 30765603 (cited by Labcorp Genetics (formerly Invitae), Labcorp); PubMed 37085799 (cited by Labcorp Genetics (formerly Invitae), Labcorp); PubMed 39142283 (cited by Lupski Lab, Baylor-Hopkins CMG, Baylor College of Medicine); PubMed 34793697 (cited by Lupski Lab, Baylor-Hopkins CMG, Baylor College of Medicine); DOI 10.1101/2024.04.11.24305690 (cited by Lupski Lab, Baylor-Hopkins CMG, Baylor College of Medicine).